The following is an entry in ClinVar:

ClinVar aggregate classification (germline): Benign/Likely benign. Review status: criteria provided, multiple submitters, no conflicts (2 of 4 stars). 2 submissions from 2 submitters: Benign (1); Likely benign (1). Last evaluated 2026-01-28.

Conditions:
Niemann-Pick disease, type C1. Also called: NEUROVISCERAL STORAGE DISEASE WITH VERTICAL SUPRANUCLEAR OPHTHALMOPLEGIA; NIEMANN-PICK DISEASE WITH CHOLESTEROL ESTERIFICATION BLOCK; NIEMANN-PICK DISEASE WITHOUT SPHINGOMYELINASE DEFICIENCY; NIEMANN-PICK DISEASE, CHRONIC NEURONOPATHIC FORM; NIEMANN-PICK DISEASE, VARIANT TYPE C1. Identifiers: Orphanet 646, MedGen C3179455, MONDO:0009757, OMIM 257220.

Allele frequency attached by ClinVar (database versions not stated): gnomAD exomes 0.00009 and 0.00020; ExAC 0.00021; 1000 Genomes Project 0.00040; 1000 Genomes Project 30x 0.00062; gnomAD 0.00074 and 0.00083; ESP Exome Variant Server 0.00092; TOPMed 0.00107.
gnomAD v4.1: 236 of 1,613,804 alleles (0.015%); highest among the groups gnomAD compares: African/African-American, 0.3%; 1 homozygote.

Submissions (2):

Labcorp Genetics (formerly Invitae), Labcorp
Classification: Benign for Niemann-Pick disease, type C1. Last evaluated: 2026-01-28. Review status: criteria provided, single submitter. Criteria: Invitae Variant Classification Sherloc (09022015). Collection method: clinical testing. Allele origin: germline.

GeneDx
Classification: Likely benign. Last evaluated: 2016-04-14. Review status: criteria provided, single submitter. Criteria: GeneDx Variant Classification (06012015). Collection method: clinical testing. Allele origin: germline. Affected: yes.
Comment: This variant is considered likely benign or benign based on one or more of the following criteria: it is a conservative change, it occurs at a poorly conserved position in the protein, it is predicted to be benign by multiple in silico algorithms, and/or has population frequency not consistent with disease.

NM_000271.5(NPC1):c.631+17C>T

Gene: NPC1 (NPC intracellular cholesterol transporter 1; minus strand). Cytogenetic location: 18q11.2.
Variant type: single nucleotide variant.
Coding change: c.631+17C>T on transcript NM_000271.5 (MANE Select); 17 bases into the intron after coding-DNA position 631, C replaced by T.
Molecular consequence: intron variant.
Genome position (GRCh38, 1-based): chr18:23,561,343, G>A on the plus strand (C>T on the coding strand, the complement: NPC1 is on the minus strand). VCF-style: chr18-23561343-G-A. GRCh37 (hg19) VCF-style: chr18-21141307-G-A.
Identifiers: ClinVar variation 385613 (VCV000385613.10), dbSNP rs115397659, ClinGen allele CA8913691.